The following is an entry in ClinVar:

NM_003630.3(PEX3):c.541A>G (p.Thr181Ala)

Gene: PEX3 (peroxisomal biogenesis factor 3; plus strand). Cytogenetic location: 6q24.2.
Variant type: single nucleotide variant.
Coding change: c.541A>G on transcript NM_003630.3 (MANE Select); coding-DNA position 541, A replaced by G.
Protein change: p.Thr181Ala; replaces threonine 181 with alanine.
Molecular consequence: missense variant.
Genome position (GRCh38, 1-based): chr6:143,471,574, A>G. VCF-style: chr6-143471574-A-G. GRCh37 (hg19) VCF-style: chr6-143792711-A-G.
Other names: short protein forms T181A.
Identifiers: ClinVar variation 4984572 (VCV004984572.1).

ClinVar aggregate classification (germline): Uncertain significance (1 of 4 stars; one submission).

Conditions:
PEX3-related disorder. Also called: PEX3-related condition.

Submission:

PreventionGenetics, part of Exact Sciences
Classification: Uncertain significance for PEX3-related condition. Last evaluated: 2026-01-10. Review status: criteria provided, single submitter. Criteria: ACMG Guidelines, 2015. Collection method: clinical testing. Allele origin: germline.
Comment: The PEX3 c.541A>G variant is predicted to result in the amino acid substitution p.Thr181Ala. To our knowledge, this variant has not been reported in the literature. This variant is reported in 0.0098% of alleles in individuals of South Asian descent in gnomAD. At this time, the clinical significance of this variant is uncertain due to the absence of conclusive functional and genetic evidence.